The following is an entry in ClinVar:

ClinVar aggregate classification (germline): Uncertain significance (1 of 4 stars; one submission).

Allele frequency attached by ClinVar (database versions not stated): gnomAD exomes 0.00001; ExAC 0.00002; TOPMed 0.00002; gnomAD 0.00003.
gnomAD v4.1: 24 of 1,613,822 alleles (0.0015%); highest among the groups gnomAD compares: Admixed American, 0.01%; no homozygotes.

Submission:

Labcorp Genetics (formerly Invitae), Labcorp
Classification: Uncertain significance. Last evaluated: 2024-05-15. Review status: criteria provided, single submitter. Criteria: Invitae Variant Classification Sherloc (09022015). Collection method: clinical testing. Allele origin: germline.
Comment: This sequence change replaces arginine, which is basic and polar, with glutamine, which is neutral and polar, at codon 114 of the TRAP1 protein (p.Arg114Gln). This variant is present in population databases (rs537354825, gnomAD 0.01%). This variant has not been reported in the literature in individuals affected with TRAP1-related conditions. ClinVar contains an entry for this variant (Variation ID: 2187062). Advanced modeling of protein sequence and biophysical properties (such as structural, functional, and spatial information, amino acid conservation, physicochemical variation, residue mobility, and thermodynamic stability) performed at Invitae indicates that this missense variant is expected to disrupt TRAP1 protein function with a positive predictive value of 80%. In summary, the available evidence is currently insufficient to determine the role of this variant in disease. Therefore, it has been classified as a Variant of Uncertain Significance.

NM_016292.3(TRAP1):c.341G>A (p.Arg114Gln)

Gene: TRAP1 (TNF receptor associated protein 1; minus strand). Cytogenetic location: 16p13.3.
Variant type: single nucleotide variant.
Coding change: c.341G>A on transcript NM_016292.3 (MANE Select); coding-DNA position 341, G replaced by A.
Protein change: p.Arg114Gln; replaces arginine 114 with glutamine.
Molecular consequence: missense variant.
Genome position (GRCh38, 1-based): chr16:3,686,126, C>T on the plus strand (G>A on the coding strand, the complement: TRAP1 is on the minus strand). VCF-style: chr16-3686126-C-T. GRCh37 (hg19) VCF-style: chr16-3736127-C-T.
Other names: c.182G>A, p.Arg61Gln (NM_001272049.2); short protein forms R114Q, R61Q.
Identifiers: ClinVar variation 2187062 (VCV002187062.4), dbSNP rs537354825, ClinGen allele CA7868713.